The following is an entry in ClinVar:

NM_001122955.4(BSCL2):c.973G>A (p.Gly325Ser)

Genes: BSCL2 (BSCL2 lipid droplet biogenesis associated, seipin; minus strand), HNRNPUL2-BSCL2 (HNRNPUL2-BSCL2 readthrough (NMD candidate); minus strand). Cytogenetic location: 11q12.3.
Variant type: single nucleotide variant.
Coding change: c.973G>A on transcript NM_001122955.4 (MANE Select); coding-DNA position 973, G replaced by A.
Protein change: p.Gly325Ser; replaces glycine 325 with serine.
Molecular consequence: missense variant. On other transcripts: non-coding transcript variant (1), intron variant (1).
Genome position (GRCh38, 1-based): chr11:62,691,312, C>T on the plus strand (G>A on the coding strand, the complement: BSCL2 is on the minus strand). VCF-style: chr11-62691312-C-T. GRCh37 (hg19) VCF-style: chr11-62458784-C-T.
Other names: c.973G>A (NM_001122955.3); c.973G>A, p.Gly325Ser (NM_001386027.1, NM_001386028.1); c.781G>A, p.Gly261Ser (NM_032667.6); c.672-171G>A (NM_001130702.2); short protein forms G261S, G325S.
Identifiers: ClinVar variation 1315799 (VCV001315799.10), dbSNP rs760106114, ClinGen allele CA6053396.
Genomic context (GRCh38, chr11:62,691,312, plus strand): 5'-ACAAAAGGGGGTCCTTGCCCCTTTCGACCTGCAAAGAGAAGCGGTGTCGGGGCCAGATGC[C>T]CCCCCACACCCACTGCATGTAGCTGAAGAGCACGATGACGCTGAGGAAGGTGAAGTTGCT-3'
Protein context (NP_001116427.1, residues 315-335): LFSYMQWVWG[Gly325Ser]IWPRHRFSLQ

ClinVar aggregate classification (germline): Uncertain significance. Review status: criteria provided, multiple submitters, no conflicts (2 of 4 stars). 3 submissions from 3 submitters: Uncertain significance (3). Last evaluated 2026-02-11.

Conditions:
Charcot-Marie-Tooth disease type 2. Also called: Charcot-Marie-Tooth type 2. Identifiers: Orphanet 64746, MedGen C0270914, MONDO:0018993.
BSCL2-related disorder. Also called: BSCL2-related condition; BSCL2-Related Disorders.

gnomAD v4.1: 7 of 1,613,962 alleles (0.00043%); highest among the groups gnomAD compares: African/African-American, 0.0027%; no homozygotes.

Submissions (3):

PreventionGenetics, part of Exact Sciences
Classification: Uncertain significance for BSCL2-related condition. Last evaluated: 2026-02-11. Review status: criteria provided, single submitter. Criteria: ACMG Guidelines, 2015. Collection method: clinical testing. Allele origin: germline.
Comment: The BSCL2 c.973G>A variant is predicted to result in the amino acid substitution p.Gly325Ser. To our knowledge, this variant has not been reported in the literature. This variant is reported in 0.00088% of alleles in individuals of European (non-Finnish) descent in gnomAD. At this time, the clinical significance of this variant is uncertain due to the absence of conclusive functional and genetic evidence.

Labcorp Genetics (formerly Invitae), Labcorp
Classification: Uncertain significance for Charcot-Marie-Tooth disease type 2. Last evaluated: 2024-01-08. Review status: criteria provided, single submitter. Criteria: Invitae Variant Classification Sherloc (09022015). Collection method: clinical testing. Allele origin: germline.
Comment: This sequence change replaces glycine, which is neutral and non-polar, with serine, which is neutral and polar, at codon 261 of the BSCL2 protein (p.Gly261Ser). This variant is present in population databases (rs760106114, gnomAD 0.0009%). This variant has not been reported in the literature in individuals affected with BSCL2-related conditions. ClinVar contains an entry for this variant (Variation ID: 1315799). Advanced modeling of protein sequence and biophysical properties (such as structural, functional, and spatial information, amino acid conservation, physicochemical variation, residue mobility, and thermodynamic stability) performed at Invitae indicates that this missense variant is not expected to disrupt BSCL2 protein function with a negative predictive value of 80%. In summary, the available evidence is currently insufficient to determine the role of this variant in disease. Therefore, it has been classified as a Variant of Uncertain Significance.

GeneDx
Classification: Uncertain significance. Last evaluated: 2019-09-26. Review status: criteria provided, single submitter. Criteria: GeneDx Variant Classification Process June 2021. Collection method: clinical testing. Allele origin: germline. Affected: yes.
Comment: Not observed at a significant frequency in large population cohorts (Lek et al., 2016); In silico analysis, which includes protein predictors and evolutionary conservation, supports a deleterious effect; In-silico splice predictors are inconclusive as to whether the variant alters gene splicing. In the absence of RNA/functional studies, the actual effect of this sequence change is unknown.; Has not been previously published as pathogenic or benign to our knowledge